The following is an entry in ClinVar:

ClinVar aggregate classification (germline): Pathogenic (1 of 4 stars; one submission).

Conditions:
Inborn genetic diseases. Identifiers: MedGen C0950123, MeSH D030342.

Submission:

Ambry Genetics
Classification: Pathogenic for Inborn genetic diseases. Last evaluated: 2024-08-01. Review status: criteria provided, single submitter. Criteria: Ambry Variant Classification Scheme 2023. Collection method: clinical testing. Allele origin: germline.
Comment: The c.3G>T (p.M1?) alteration is located in coding exon 1 of the CREBBP gene and results from a G to T substitution at nucleotide position 3. This alters the methionine residue at the initiation codon (ATG). Sequence variations that modify the initiation codon are expected to result in either loss of translation initiation, N-terminal truncation, or cause a shift in the mRNA reading frame. for Rubinstein-Taybi syndrome; however, its clinical significance for Menke-Hennekam syndrome is uncertain. This variant was not reported in population-based cohorts in the Genome Aggregation Database (gnomAD). This amino acid position is highly conserved in available vertebrate species. Based on the available evidence, this alteration is classified as pathogenic.

NM_004380.3(CREBBP):c.3G>T (p.Met1Ile)

Gene: CREBBP (CREB binding protein; minus strand). Cytogenetic location: 16p13.3.
Variant type: single nucleotide variant.
Coding change: c.3G>T on transcript NM_004380.3 (MANE Select); coding-DNA position 3, G replaced by T.
Protein change: p.Met1Ile; changes the start codon (methionine 1).
Molecular consequence: missense variant, initiator codon variant.
Genome position (GRCh38, 1-based): chr16:3,879,914, C>A on the plus strand (G>T on the coding strand, the complement: CREBBP is on the minus strand). VCF-style: chr16-3879914-C-A. GRCh37 (hg19) VCF-style: chr16-3929915-C-A.
Other names: c.3G>T, p.Met1Ile (NM_001079846.1); short protein forms M1I.
Identifiers: ClinVar variation 3496978 (VCV003496978.1).